The following is an entry in ClinVar:

ClinVar aggregate classification (germline): Uncertain significance (1 of 4 stars; one submission).

Submission:

Ambry Genetics
Classification: Uncertain significance. Last evaluated: 2025-06-19. Review status: criteria provided, single submitter. Criteria: Ambry Variant Classification Scheme 2023. Collection method: clinical testing. Allele origin: germline.
Comment: The p.V1055I variant (also known as c.3163G>A), located in coding exon 12 of the CDK12 gene, results from a G to A substitution at nucleotide position 3163. The valine at codon 1055 is replaced by isoleucine, an amino acid with highly similar properties. This amino acid position is conserved. In addition, this alteration is predicted to be tolerated by in silico analysis. Based on the available evidence, the clinical significance of this variant remains unclear.

NM_016507.4(CDK12):c.3163G>A (p.Val1055Ile)

Gene: CDK12 (cyclin dependent kinase 12; plus strand). Cytogenetic location: 17q12.
Variant type: single nucleotide variant.
Coding change: c.3163G>A on transcript NM_016507.4 (MANE Select); coding-DNA position 3163, G replaced by A.
Protein change: p.Val1055Ile; replaces valine 1055 with isoleucine.
Molecular consequence: missense variant.
Genome position (GRCh38, 1-based): chr17:39,524,741, G>A. VCF-style: chr17-39524741-G-A. GRCh37 (hg19) VCF-style: chr17-37680994-G-A.
Other names: c.3163G>A, p.Val1055Ile (NM_015083.4); short protein forms V1055I.
Identifiers: ClinVar variation 4224190 (VCV004224190.1).